The following is an entry in ClinVar:

ClinVar aggregate classification (germline): Uncertain significance (1 of 4 stars; one submission).

Submission:

Labcorp Genetics (formerly Invitae), Labcorp
Classification: Uncertain significance. Last evaluated: 2022-05-12. Review status: criteria provided, single submitter. Criteria: Invitae Variant Classification Sherloc (09022015). Collection method: clinical testing. Allele origin: germline.
Comment: In summary, the available evidence is currently insufficient to determine the role of this variant in disease. Therefore, it has been classified as a Variant of Uncertain Significance. Algorithms developed to predict the effect of missense changes on protein structure and function are either unavailable or do not agree on the potential impact of this missense change (SIFT: "Deleterious"; PolyPhen-2: "Probably Damaging"; Align-GVGD: "Class C0"). This variant has not been reported in the literature in individuals affected with C6-related conditions. This variant is not present in population databases (gnomAD no frequency). This sequence change replaces leucine, which is neutral and non-polar, with arginine, which is basic and polar, at codon 334 of the C6 protein (p.Leu334Arg).

NM_000065.5(C6):c.1001T>G (p.Leu334Arg)

Gene: C6 (complement C6; minus strand). Cytogenetic location: 5p13.1.
Variant type: single nucleotide variant.
Coding change: c.1001T>G on transcript NM_000065.5 (MANE Select); coding-DNA position 1001, T replaced by G.
Protein change: p.Leu334Arg; replaces leucine 334 with arginine.
Molecular consequence: missense variant.
Genome position (GRCh38, 1-based): chr5:41,176,642, A>C on the plus strand (T>G on the coding strand, the complement: C6 is on the minus strand). VCF-style: chr5-41176642-A-C. GRCh37 (hg19) VCF-style: chr5-41176744-A-C.
Other names: c.1001T>G, p.Leu334Arg (NM_001115131.4); short protein forms L334R.
Identifiers: ClinVar variation 1993424 (VCV001993424.4), dbSNP rs2478745707, ClinGen allele CA359600822.